The following is an entry in ClinVar:

NM_152381.6(XIRP2):c.5069C>T (p.Thr1690Ile)

Gene: XIRP2 (xin actin binding repeat containing 2; plus strand). Cytogenetic location: 2q24.3.
Variant type: single nucleotide variant.
Coding change: c.5069C>T on transcript NM_152381.6 (MANE Select); coding-DNA position 5069, C replaced by T.
Protein change: p.Thr1690Ile; replaces threonine 1690 with isoleucine.
Molecular consequence: missense variant. On other transcripts: intron variant (3).
Genome position (GRCh38, 1-based): chr2:167,246,461, C>T. VCF-style: chr2-167246461-C-T. GRCh37 (hg19) VCF-style: chr2-168102971-C-T.
Other names: c.5069C>T (NM_152381.5); c.4403C>T, p.Thr1468Ile (NM_001199144.2); c.1275+4551C>T (NM_001199143.2); c.1176+4551C>T (NM_001079810.4); c.510+4551C>T (NM_001199145.2); short protein forms T1690I, T1468I.
Identifiers: ClinVar variation 714940 (VCV000714940.29), dbSNP rs184983098, ClinGen allele CA1947149.

ClinVar aggregate classification (germline): Benign/Likely benign. Review status: criteria provided, multiple submitters, no conflicts (2 of 4 stars). 3 submissions from 3 submitters: Benign (1); Likely benign (1). 1 of the submissions does not count toward it. Last evaluated 2023-03-01.

Conditions:
XIRP2-related disorder. Also called: XIRP2-related condition.

Allele frequency attached by ClinVar (database versions not stated): 1000 Genomes Project 30x 0.00031; 1000 Genomes Project 0.00040; TOPMed 0.00208; ExAC 0.00251; gnomAD 0.00253 and 0.00262; gnomAD exomes 0.00259 and 0.00305; ESP Exome Variant Server 0.00310.
gnomAD v4.1: 4,813 of 1,613,552 alleles (0.3%); highest among the groups gnomAD compares: Non-Finnish European, 0.35%; 17 homozygotes.

Submissions (3):

CeGaT Center for Human Genetics Tuebingen
Classification: Likely benign. Last evaluated: 2023-03-01. Review status: criteria provided, single submitter. Criteria: CeGaT Center For Human Genetics Tuebingen Variant Classification Criteria Version 2. Collection method: clinical testing. Allele origin: germline. Affected: yes. Observed: 1 variant allele.
Comment: XIRP2: BS2

Labcorp Genetics (formerly Invitae), Labcorp
Classification: Benign. Last evaluated: 2019-12-31. Review status: criteria provided, single submitter. Criteria: Invitae Variant Classification Sherloc (09022015). Collection method: clinical testing. Allele origin: germline.

PreventionGenetics, part of Exact Sciences
Classification: Likely benign for XIRP2-related condition. Last evaluated: 2019-02-20. Review status: no assertion criteria provided. Collection method: clinical testing. Allele origin: germline. Not counted in ClinVar's aggregate classification.
Comment: This variant is classified as likely benign based on ACMG/AMP sequence variant interpretation guidelines (Richards et al. 2015 PMID: 25741868, with internal and published modifications).